The following is an entry in ClinVar:

NM_005862.3(STAG1):c.2023G>T (p.Asp675Tyr)

Gene: STAG1 (STAG1 cohesin complex component; minus strand). Cytogenetic location: 3q22.3.
Variant type: single nucleotide variant.
Coding change: c.2023G>T on transcript NM_005862.3 (MANE Select); coding-DNA position 2023, G replaced by T.
Protein change: p.Asp675Tyr; replaces aspartic acid 675 with tyrosine.
Molecular consequence: missense variant.
Genome position (GRCh38, 1-based): chr3:136,422,424, C>A on the plus strand (G>T on the coding strand, the complement: STAG1 is on the minus strand). VCF-style: chr3-136422424-C-A. GRCh37 (hg19) VCF-style: chr3-136141266-C-A.
Other names: short protein forms D675Y.
Identifiers: ClinVar variation 1707021 (VCV001707021.2), dbSNP rs1436932646, ClinGen allele CA354643787.

ClinVar aggregate classification (germline): Uncertain significance (1 of 4 stars; one submission).

Submission:

GeneDx
Classification: Uncertain significance. Last evaluated: 2022-03-20. Review status: criteria provided, single submitter. Criteria: GeneDx Variant Classification Process June 2021. Collection method: clinical testing. Allele origin: germline. Affected: yes.
Comment: Not observed at significant frequency in large population cohorts (gnomAD); In silico analysis supports that this missense variant has a deleterious effect on protein structure/function; Has not been previously published as pathogenic or benign to our knowledge